The following is an entry in ClinVar:

ClinVar aggregate classification (germline): Conflicting classifications of pathogenicity. Review status: criteria provided, conflicting classifications (1 of 4 stars). 4 submissions from 4 submitters: Uncertain significance (2); Likely benign (2). Last evaluated 2025-05-01.

Conditions:
Retinitis pigmentosa (RP). Identifiers: Orphanet 791, MedGen C0035334, MeSH D012174, MONDO:0019200, OMIM 268000. Inheritance: Autosomal dominant, autosomal recessive and X linked inheritance.
PCARE-related disorder. Also called: PCARE-related condition.

Allele frequency attached by ClinVar (database versions not stated): TOPMed 0.00003; 1000 Genomes Project 0.00020; 1000 Genomes Project 30x 0.00031.
gnomAD v4.1: 120 of 1,613,992 alleles (0.0074%); highest among the groups gnomAD compares: South Asian, 0.0066%; 1 homozygote.

Submissions (4):

PreventionGenetics, part of Exact Sciences
Classification: Likely benign for PCARE-related condition. Last evaluated: 2025-05-01. Review status: criteria provided, single submitter. Criteria: ACMG Guidelines, 2015. Collection method: clinical testing. Allele origin: germline.
Comment: This variant is classified as likely benign based on ACMG/AMP sequence variant interpretation guidelines (Richards et al. 2015 PMID: 25741868, with internal and published modifications).

Labcorp Genetics (formerly Invitae), Labcorp
Classification: Likely benign. Last evaluated: 2025-04-01. Review status: criteria provided, single submitter. Criteria: Invitae Variant Classification Sherloc (09022015). Collection method: clinical testing. Allele origin: germline.

Blueprint Genetics
Classification: Uncertain significance. Last evaluated: 2024-11-26. Review status: criteria provided, single submitter. Criteria: ACMG Guidelines, 2015. Collection method: clinical testing. Allele origin: germline.

Illumina Laboratory Services, Illumina
Classification: Uncertain significance for Retinitis pigmentosa. Last evaluated: 2018-01-13. Review status: criteria provided, single submitter. Criteria: ICSL Variant Classification Criteria 13 December 2019. Collection method: clinical testing. Allele origin: germline.

NM_001029883.3(PCARE):c.3658G>A (p.Gly1220Ser)

Gene: PCARE (photoreceptor cilium actin regulator; minus strand). Cytogenetic location: 2p23.2.
Variant type: single nucleotide variant.
Coding change: c.3658G>A on transcript NM_001029883.3 (MANE Select); coding-DNA position 3658, G replaced by A.
Protein change: p.Gly1220Ser; replaces glycine 1220 with serine.
Molecular consequence: missense variant.
Genome position (GRCh38, 1-based): chr2:29,070,604, C>T on the plus strand (G>A on the coding strand, the complement: PCARE is on the minus strand). VCF-style: chr2-29070604-C-T. GRCh37 (hg19) VCF-style: chr2-29293470-C-T.
Other names: short protein forms G1220S.
Identifiers: ClinVar variation 335639 (VCV000335639.14), dbSNP rs554321432, ClinGen allele CA1591870.